The following is an entry in ClinVar:

NM_000051.4(ATM):c.5675-19A>T

Gene: ATM (ATM serine/threonine kinase; plus strand). Cytogenetic location: 11q22.3.
Variant type: single nucleotide variant.
Coding change: c.5675-19A>T on transcript NM_000051.4 (MANE Select); 19 bases into the intron before coding-DNA position 5675, A replaced by T.
Molecular consequence: intron variant.
Genome position (GRCh38, 1-based): chr11:108,307,878, A>T. VCF-style: chr11-108307878-A-T. GRCh37 (hg19) VCF-style: chr11-108178605-A-T.
Other names: c.5675-19A>T (NM_001351834.2).
Identifiers: ClinVar variation 3254141 (VCV003254141.1), dbSNP rs2547004577.

ClinVar aggregate classification (germline): Likely benign (1 of 4 stars; one submission).

Conditions:
Familial cancer of breast. Also called: BREAST CANCER, FAMILIAL; Hereditary breast cancer; hereditary breast carcinoma. Identifiers: Orphanet 227535, MedGen C0346153, MONDO:0016419, OMIM 114480. Disease mechanism: loss of function.

Submission:

Myriad Genetics, Inc.
Classification: Likely benign for Familial cancer of breast. Last evaluated: 2024-05-24. Review status: criteria provided, single submitter. Criteria: Myriad Autosomal Dominant, Autosomal Recessive and X-Linked Classification Criteria (2023). Collection method: clinical testing. Allele origin: unknown.
Comment: This variant is considered likely benign. This variant is intronic and is not expected to impact mRNA splicing.